The following is an entry in ClinVar:

NM_000245.4(MET):c.1051C>G (p.Pro351Ala)

Gene: MET (MET proto-oncogene, receptor tyrosine kinase; plus strand). Cytogenetic location: 7q31.2.
Variant type: single nucleotide variant.
Coding change: c.1051C>G on transcript NM_000245.4 (MANE Select); coding-DNA position 1051, C replaced by G.
Protein change: p.Pro351Ala; replaces proline 351 with alanine.
Molecular consequence: missense variant. On other transcripts: intron variant (1).
Genome position (GRCh38, 1-based): chr7:116,700,135, C>G. VCF-style: chr7-116700135-C-G. GRCh37 (hg19) VCF-style: chr7-116340189-C-G.
Other names: c.1051C>G, p.Pro351Ala (NM_001127500.3, NM_001324401.3); c.-91+27558C>G (NM_001324402.2); c.1051C>G (NM_001127500.2); short protein forms P351A.
Identifiers: ClinVar variation 142899 (VCV000142899.19), dbSNP rs587782807, ClinGen allele CA169712.
Genomic context (GRCh38, chr7:116,700,135, plus strand): 5'-AGACAAATAGGAGCCAGCCTGAATGATGACATTCTTTTCGGGGTGTTCGCACAAAGCAAG[C>G]CAGATTCTGCCGAACCAATGGATCGATCTGCCATGTGTGCATTCCCTATCAAATATGTCA-3'
Protein context (NP_000236.2, residues 341-361): ILFGVFAQSK[Pro351Ala]DSAEPMDRSA

ClinVar aggregate classification (germline): Conflicting classifications of pathogenicity. Review status: criteria provided, conflicting classifications (1 of 4 stars). 4 submissions from 4 submitters: Uncertain significance (2); Likely benign (1). 1 of the submissions does not count toward it. Last evaluated 2026-01-11.

Conditions:
MET-related disorder. Also called: MET-related condition.
Hereditary cancer-predisposing syndrome. Also called: Hereditary Cancer Syndrome; Neoplastic Syndromes, Hereditary; Hereditary neoplastic syndrome; Tumor predisposition. Identifiers: Orphanet 140162, MedGen C0027672, MeSH D009386, MONDO:0015356.
Renal cell carcinoma. Identifiers: Orphanet 217071, MedGen C0007134, MeSH D002292, MONDO:0005086, HP:0005584.

Allele frequency attached by ClinVar (database versions not stated): TOPMed below 0.00001.
gnomAD v4.1: 7 of 1,599,320 alleles (0.00044%); highest among the groups gnomAD compares: Non-Finnish European, 0.0006%; no homozygotes.

Submissions (4):

Labcorp Genetics (formerly Invitae), Labcorp
Classification: Uncertain significance for Renal cell carcinoma. Last evaluated: 2026-01-11. Review status: criteria provided, single submitter. Criteria: Invitae Variant Classification Sherloc (09022015). Collection method: clinical testing. Allele origin: germline.
Comment: This sequence change replaces proline, which is neutral and non-polar, with alanine, which is neutral and non-polar, at codon 351 of the MET protein (p.Pro351Ala). This variant is not present in population databases (gnomAD no frequency). This variant has not been reported in the literature in individuals affected with MET-related conditions. ClinVar contains an entry for this variant (Variation ID: 142899). Invitae Evidence Modeling of protein sequence and biophysical properties (such as structural, functional, and spatial information, amino acid conservation, physicochemical variation, residue mobility, and thermodynamic stability) has been performed for this missense variant. However, the output from this modeling did not meet the statistical confidence thresholds required to predict the impact of this variant on MET protein function. In summary, the available evidence is currently insufficient to determine the role of this variant in disease. Therefore, it has been classified as a Variant of Uncertain Significance.

Ambry Genetics
Classification: Likely benign for Hereditary cancer-predisposing syndrome. Last evaluated: 2024-09-05. Review status: criteria provided, single submitter. Criteria: Ambry Variant Classification Scheme 2023. Collection method: clinical testing. Allele origin: germline.

Institute for Clinical Genetics, University Hospital TU Dresden, University Hospital TU Dresden
Classification: Uncertain significance. Last evaluated: 2021-11-03. Review status: criteria provided, single submitter. Criteria: ACMG Guidelines, 2015. Collection method: clinical testing. Allele origin: germline.

PreventionGenetics, part of Exact Sciences
Classification: Uncertain significance for MET-related condition. Last evaluated: 2024-02-28. Review status: no assertion criteria provided. Collection method: clinical testing. Allele origin: germline. Not counted in ClinVar's aggregate classification.
Comment: The MET c.1051C>G variant is predicted to result in the amino acid substitution p.Pro351Ala. To our knowledge, this variant has not been reported in the literature or in a large population database, indicating this variant is rare. At this time, the clinical significance of this variant is uncertain due to the absence of conclusive functional and genetic evidence.